The following is an entry in ClinVar:

NM_001814.6(CTSC):c.1246_1247del (p.Ala417fs)

Gene: CTSC (cathepsin C; minus strand). Cytogenetic location: 11q14.2.
Variant type: Deletion.
Coding change: c.1246_1247del on transcript NM_001814.6 (MANE Select); coding-DNA positions 1246 to 1247, 2 bases deleted (TC; older notation c.1246_1247delTC).
Protein change: p.Ala417fs; shifts the reading frame from alanine 417.
Molecular consequence: frameshift variant.
Genome position (GRCh38, 1-based): chr11:88,294,151-88,294,152, GA deleted on the plus strand (TC on the coding strand, the reverse complement: CTSC is on the minus strand); deleting any 2 consecutive bases within chr11:88,294,151-88,294,153 gives the same sequence; the c. name uses the placement nearest the transcript's 3' end. VCF-style (leftmost placement, unchanged base first): chr11-88294150-TGA-T. GRCh37 (hg19) VCF-style: chr11-88027318-TGA-T.
Other names: short protein forms A417fs.
Identifiers: ClinVar variation 2953569 (VCV002953569.3), dbSNP rs775385114, ClinGen allele CA6219746.

ClinVar aggregate classification (germline): Pathogenic (1 of 4 stars; one submission).

Conditions:
Periodontitis, aggressive. Identifiers: MedGen C0031106, MONDO:0980757.
Papillon-Lefèvre syndrome (PALS). Also called: KERATOSIS PALMOPLANTARIS WITH PERIODONTOPATHIA; Papillon-Lefevre Disease. Identifiers: Orphanet 678, MedGen C0030360, MONDO:0009490, OMIM 245000.
Haim-Munk syndrome (HMS). Also called: COCHIN JEWISH DISORDER; KERATOSIS PALMOPLANTARIS WITH PERIODONTOPATHIA AND ONYCHOGRYPOSIS. Identifiers: Orphanet 2342, MedGen C1855627, MONDO:0009491, OMIM 245010.

Submission:

Labcorp Genetics (formerly Invitae), Labcorp
Classification: Pathogenic for Haim-Munk syndrome; Periodontitis, aggressive; Papillon-Lefèvre syndrome. Last evaluated: 2023-11-06. Review status: criteria provided, single submitter. Criteria: Invitae Variant Classification Sherloc (09022015). Collection method: clinical testing. Allele origin: germline.
Comment: This sequence change creates a premature translational stop signal (p.Ala417Leufs*9) in the CTSC gene. While this is not anticipated to result in nonsense mediated decay, it is expected to disrupt the last 47 amino acid(s) of the CTSC protein. This variant is present in population databases (rs775385114, gnomAD 0.0009%). This variant has not been reported in the literature in individuals affected with CTSC-related conditions. This variant disrupts a region of the CTSC protein in which other variant(s) (p.Trp429*) have been determined to be pathogenic (PMID: 10593994, 28242153, 29410039). This suggests that this is a clinically significant region of the protein, and that variants that disrupt it are likely to be disease-causing. For these reasons, this variant has been classified as Pathogenic.

Literature cited by the submitters: PubMed 10593994; PubMed 28242153; PubMed 29410039.